The following is an entry in ClinVar:

NM_007315.4(STAT1):c.1224A>G (p.Gln408=)

Gene: STAT1 (signal transducer and activator of transcription 1; minus strand). Cytogenetic location: 2q32.2.
Variant type: single nucleotide variant.
Coding change: c.1224A>G on transcript NM_007315.4 (MANE Select); coding-DNA position 1224, A replaced by G.
Protein change: p.Gln408=; no amino-acid change (glutamine 408 retained).
Molecular consequence: synonymous variant.
Genome position (GRCh38, 1-based): chr2:190,985,658, T>C on the plus strand (A>G on the coding strand, the complement: STAT1 is on the minus strand). VCF-style: chr2-190985658-T-C. GRCh37 (hg19) VCF-style: chr2-191850384-T-C.
Other names: c.1164A>G, p.Gln388= (NM_001384880.1); c.1230A>G, p.Gln410= (NM_001384881.1, NM_001384884.1); c.1218A>G, p.Gln406= (NM_001384882.1); c.1125A>G, p.Gln375= (NM_001384883.1); c.1065A>G, p.Gln355= (NM_001384885.1); c.1224A>G, p.Gln408= (NM_001384886.1, NM_001384889.1, NM_139266.3); c.1131A>G, p.Gln377= (NM_001384887.1); c.1194A>G, p.Gln398= (NM_001384888.1); and 2 more.
Identifiers: ClinVar variation 2945760 (VCV002945760.3), dbSNP rs549774353, ClinGen allele CA2029994.
Genomic context (GRCh38, chr2:190,985,658, plus strand): 5'-ACAACATAAAGGGACTCTCACCTCATTCGTTCTGGTGCCAGCATTTTTCTGTTCTTTCAA[T>C]TGCTATAAAACAAATAATCATCTTAGTAAACACCATGGTAATGGTCAAAGTTGCTATCTT-3'
Protein context (NP_009330.1, residues 398-418): GSLAAEFRHL[Gln408=]LKEQKNAGTR

ClinVar aggregate classification (germline): Uncertain significance (1 of 4 stars; one submission).

Conditions:
Mendelian susceptibility to mycobacterial diseases due to partial STAT1 deficiency. Also called: IMMUNODEFICIENCY 31A, MYCOBACTERIOSIS, AUTOSOMAL DOMINANT; STAT1 DEFICIENCY, AUTOSOMAL DOMINANT; Immunodeficiency 31a. Identifiers: Orphanet 319595, MedGen C4013950, MONDO:0013956, OMIM 614892.
Immunodeficiency 31B. Also called: STAT1 DEFICIENCY, AUTOSOMAL RECESSIVE; IMMUNODEFICIENCY 31B, MYCOBACTERIAL AND VIRAL INFECTIONS, AUTOSOMAL RECESSIVE. Identifiers: Orphanet 391311, MedGen C3151088, MONDO:0013427, OMIM 613796.
Autoimmune enteropathy and endocrinopathy - susceptibility to chronic infections syndrome. Also called: Immunodeficiency 31C; Immunodeficiency 31C, autosomal dominant. Identifiers: Orphanet 391487, MedGen C3279990, MONDO:0013599, OMIM 614162.

Allele frequency attached by ClinVar (database versions not stated): gnomAD exomes below 0.00001; ExAC 0.00001; gnomAD 0.00001; 1000 Genomes Project 30x 0.00016; 1000 Genomes Project 0.00020.
gnomAD v4.1: 2 of 1,614,126 alleles (0.00012%); highest among the groups gnomAD compares: Admixed American, 0.0017%; no homozygotes.

Submission:

Labcorp Genetics (formerly Invitae), Labcorp
Classification: Uncertain significance for Mendelian susceptibility to mycobacterial diseases due to partial STAT1 deficiency; Immunodeficiency 31B; Autoimmune enteropathy and endocrinopathy - susceptibility to chronic infections syndrome. Last evaluated: 2024-05-06. Review status: criteria provided, single submitter. Criteria: Invitae Variant Classification Sherloc (09022015). Collection method: clinical testing. Allele origin: germline.
Comment: This sequence change affects codon 408 of the STAT1 mRNA. It is a 'silent' change, meaning that it does not change the encoded amino acid sequence of the STAT1 protein. This variant is present in population databases (rs549774353, gnomAD 0.003%). This variant has not been reported in the literature in individuals affected with STAT1-related conditions. Algorithms developed to predict the effect of sequence changes on RNA splicing suggest that this variant may create or strengthen a splice site. In summary, the available evidence is currently insufficient to determine the role of this variant in disease. Therefore, it has been classified as a Variant of Uncertain Significance.